The following is an entry in ClinVar:

ClinVar aggregate classification (germline): Uncertain significance. Review status: criteria provided, multiple submitters, no conflicts (2 of 4 stars). 4 submissions from 4 submitters: Uncertain significance (4). Last evaluated 2024-01-30.

Conditions:
Inborn genetic diseases. Identifiers: MedGen C0950123, MeSH D030342.
Charcot-Marie-Tooth disease type 2. Also called: Charcot-Marie-Tooth type 2. Identifiers: Orphanet 64746, MedGen C0270914, MONDO:0018993.

Submissions (4):

Labcorp Genetics (formerly Invitae), Labcorp
Classification: Uncertain significance for Charcot-Marie-Tooth disease type 2. Last evaluated: 2024-01-30. Review status: criteria provided, single submitter. Criteria: Invitae Variant Classification Sherloc (09022015). Collection method: clinical testing. Allele origin: germline.
Comment: This sequence change replaces serine, which is neutral and polar, with asparagine, which is neutral and polar, at codon 743 of the MFN2 protein (p.Ser743Asn). This variant is not present in population databases (gnomAD no frequency). This missense change has been observed in individual(s) with clinical features of MFN2-related conditions (Invitae). ClinVar contains an entry for this variant (Variation ID: 962842). Advanced modeling of protein sequence and biophysical properties (such as structural, functional, and spatial information, amino acid conservation, physicochemical variation, residue mobility, and thermodynamic stability) has been performed at Invitae for this missense variant, however the output from this modeling did not meet the statistical confidence thresholds required to predict the impact of this variant on MFN2 protein function. In summary, the available evidence is currently insufficient to determine the role of this variant in disease. Therefore, it has been classified as a Variant of Uncertain Significance.

Ambry Genetics
Classification: Uncertain significance for Inborn genetic diseases. Last evaluated: 2022-04-26. Review status: criteria provided, single submitter. Criteria: Ambry Variant Classification Scheme 2023. Collection method: clinical testing. Allele origin: germline.
Comment: The p.S743N variant (also known as c.2228G>A), located in coding exon 17 of the MFN2 gene, results from a G to A substitution at nucleotide position 2228. The serine at codon 743 is replaced by asparagine, an amino acid with highly similar properties. This amino acid position is conserved. In addition, the in silico prediction for this alteration is inconclusive. Since supporting evidence is limited at this time, the clinical significance of this alteration remains unclear.

Athena Diagnostics
Classification: Uncertain significance. Last evaluated: 2021-08-17. Review status: criteria provided, single submitter. Criteria: Athena Diagnostics Criteria. Collection method: clinical testing. Allele origin: unknown.

GeneDx
Classification: Uncertain significance. Last evaluated: 2021-01-11. Review status: criteria provided, single submitter. Criteria: GeneDx Variant Classification Process June 2021. Collection method: clinical testing. Allele origin: germline. Affected: yes.
Comment: Not observed in large population cohorts (Lek et al., 2016); In silico analysis supports that this missense variant does not alter protein structure/function; Has not been previously published as pathogenic or benign to our knowledge

NM_014874.4(MFN2):c.2228G>A (p.Ser743Asn)

Gene: MFN2 (mitofusin 2; plus strand). Cytogenetic location: 1p36.22.
Variant type: single nucleotide variant.
Coding change: c.2228G>A on transcript NM_014874.4 (MANE Select); coding-DNA position 2228, G replaced by A.
Protein change: p.Ser743Asn; replaces serine 743 with asparagine.
Molecular consequence: missense variant.
Genome position (GRCh38, 1-based): chr1:12,011,519, G>A. VCF-style: chr1-12011519-G-A. GRCh37 (hg19) VCF-style: chr1-12071576-G-A.
Other names: c.2228G>A, p.Ser743Asn (NM_001127660.2); short protein forms S743N.
Identifiers: ClinVar variation 962842 (VCV000962842.14), dbSNP rs1639696930, ClinGen allele CA338453938.